The following is an entry in ClinVar:

NM_000260.4(MYO7A):c.73_98dup (p.Gly34_Gln35insArgTrpTerGly)

Gene: MYO7A (myosin VIIA; plus strand). Cytogenetic location: 11q13.5.
Variant type: Duplication.
Coding change: c.73_98dup on transcript NM_000260.4 (MANE Select); coding-DNA positions 73 to 98, 26 bases duplicated (GGGGCGGTGGTGAAGCTCTGCGACTC).
Protein change: p.Gly34_Gln35insArgTrpTerGly.
Molecular consequence: nonsense, inframe insertion.
Genome position (GRCh38, 1-based): chr11:77,142,763-77,142,788, GGGGCGGTGGTGAAGCTCTGCGACTC duplicated; duplicating any 26 consecutive bases within chr11:77,142,761-77,142,788 gives the same sequence; the c. name uses the placement nearest the transcript's 3' end. VCF-style (leftmost placement, unchanged base first): chr11-77142760-A-ATCGGGGCGGTGGTGAAGCTCTGCGAC. GRCh37 (hg19) VCF-style: chr11-76853806-A-ATCGGGGCGGTGGTGAAGCTCTGCGAC.
Other names: c.73_98dup, p.Gly34_Gln35insArgTrpTerGly (NM_001127180.2); c.40_65dup, p.Gly23_Gln24insArgTrpTerGly (NM_001369365.1).
Identifiers: ClinVar variation 1454803 (VCV001454803.6), dbSNP rs2135627311, ClinGen allele CA2573147683.

ClinVar aggregate classification (germline): Pathogenic (1 of 4 stars; one submission).

Submission:

Labcorp Genetics (formerly Invitae), Labcorp
Classification: Pathogenic. Last evaluated: 2023-07-17. Review status: criteria provided, single submitter. Criteria: Invitae Variant Classification Sherloc (09022015). Collection method: clinical testing. Allele origin: germline.
Comment: For these reasons, this variant has been classified as Pathogenic. ClinVar contains an entry for this variant (Variation ID: 1454803). This variant has not been reported in the literature in individuals affected with MYO7A-related conditions. This variant is not present in population databases (gnomAD no frequency). This sequence change creates a premature translational stop signal (p.Gln35Argfs*3) in the MYO7A gene. It is expected to result in an absent or disrupted protein product. Loss-of-function variants in MYO7A are known to be pathogenic (PMID: 8900236, 25404053).

Literature cited by the submitters: PubMed 8900236; PubMed 25404053.